The following is an entry in ClinVar:

NM_001127208.3(TET2):c.3252A>C (p.Gln1084His)

Genes: TET2 (tet methylcytosine dioxygenase 2; plus strand), TET2-AS1 (TET2 antisense RNA 1; minus strand). Cytogenetic location: 4q24.
Variant type: single nucleotide variant.
Coding change: c.3252A>C on transcript NM_001127208.3 (MANE Select); coding-DNA position 3252, A replaced by C.
Protein change: p.Gln1084His; replaces glutamine 1084 with histidine.
Molecular consequence: missense variant.
Genome position (GRCh38, 1-based): chr4:105,237,194, A>C. VCF-style: chr4-105237194-A-C. GRCh37 (hg19) VCF-style: chr4-106158351-A-C.
Other names: c.3252A>C, p.Gln1084His (NM_017628.4); short protein forms Q1084H.
Identifiers: ClinVar variation 4183050 (VCV004183050.1).

ClinVar aggregate classification (germline): Uncertain significance (1 of 4 stars; one submission).

gnomAD v4.1: 1 of 1,614,136 alleles (0.000062%); highest among the groups gnomAD compares: Non-Finnish European, 0.000085%; no homozygotes.

Submission:

Ambry Genetics
Classification: Uncertain significance. Last evaluated: 2025-08-31. Review status: criteria provided, single submitter. Criteria: Ambry Variant Classification Scheme 2023. Collection method: clinical testing. Allele origin: germline.
Comment: The p.Q1084H variant (also known as c.3252A>C), located in coding exon 1 of the TET2 gene, results from an A to C substitution at nucleotide position 3252. The glutamine at codon 1084 is replaced by histidine, an amino acid with highly similar properties. This amino acid position is conserved. In addition, this alteration is predicted to be tolerated by in silico analysis. Based on the available evidence, the clinical significance of this variant remains unclear.